The following is an entry in ClinVar:

NM_025114.4(CEP290):c.962A>T (p.Asp321Val)

Gene: CEP290 (centrosomal protein 290; minus strand). Cytogenetic location: 12q21.32.
Variant type: single nucleotide variant.
Coding change: c.962A>T on transcript NM_025114.4 (MANE Select); coding-DNA position 962, A replaced by T.
Protein change: p.Asp321Val; replaces aspartic acid 321 with valine.
Molecular consequence: missense variant.
Genome position (GRCh38, 1-based): chr12:88,126,419, T>A on the plus strand (A>T on the coding strand, the complement: CEP290 is on the minus strand). VCF-style: chr12-88126419-T-A. GRCh37 (hg19) VCF-style: chr12-88520196-T-A.
Other names: short protein forms D321V.
Identifiers: ClinVar variation 1948095 (VCV001948095.5), dbSNP rs759074453, ClinGen allele CA385983072.
Genomic context (GRCh38, chr12:88,126,419, plus strand): 5'-GCATTCTTAAGTTTCTCCCTTAGGTTATGTAACATTTGCTGATACTCAATAATTTCATCA[T>A]CTTTAGAAGACAAAATTAGCTAGAAATAAACACAATAGAATCTGTTATGCAAAAGGAAAG-3'
Protein context (NP_079390.3, residues 311-331): EEWKLILSSK[Asp321Val]DEIIEYQQML

ClinVar aggregate classification (germline): Uncertain significance (1 of 4 stars; one submission).

Conditions:
Joubert syndrome. Also called: CEREBELLOPARENCHYMAL DISORDER IV; JOUBERT-BOLTSHAUSER SYNDROME; Familial aplasia of the vermis. Identifiers: Orphanet 475, MedGen C5979921, MONDO:0018772.
Meckel-Gruber syndrome. Also called: DYSENCEPHALIA SPLANCHNOCYSTICA; GRUBER SYNDROME; Dysencephalia splachnocystica. Identifiers: Orphanet 564, MedGen C0265215, MONDO:0018921.
Nephronophthisis. Also called: Juvenile Nephronophthisis. Identifiers: Orphanet 655, MedGen C0687120, MONDO:0019005, HP:0000090.

gnomAD v4.1: 1 of 1,506,050 alleles (0.000066%); highest among the groups gnomAD compares: South Asian, 0.0014%; no homozygotes.

Submission:

Labcorp Genetics (formerly Invitae), Labcorp
Classification: Uncertain significance for Joubert syndrome; Meckel-Gruber syndrome; Nephronophthisis. Last evaluated: 2023-12-11. Review status: criteria provided, single submitter. Criteria: Invitae Variant Classification Sherloc (09022015). Collection method: clinical testing. Allele origin: germline.
Comment: This sequence change replaces aspartic acid, which is acidic and polar, with valine, which is neutral and non-polar, at codon 321 of the CEP290 protein (p.Asp321Val). This variant is not present in population databases (gnomAD no frequency). This variant has not been reported in the literature in individuals affected with CEP290-related conditions. ClinVar contains an entry for this variant (Variation ID: 1948095). Advanced modeling of protein sequence and biophysical properties (such as structural, functional, and spatial information, amino acid conservation, physicochemical variation, residue mobility, and thermodynamic stability) performed at Invitae indicates that this missense variant is expected to disrupt CEP290 protein function with a positive predictive value of 80%. In summary, the available evidence is currently insufficient to determine the role of this variant in disease. Therefore, it has been classified as a Variant of Uncertain Significance.